The following is an entry in ClinVar:

NM_001003694.2(BRPF1):c.1600A>G (p.Ser534Gly)

Gene: BRPF1 (bromodomain and PHD finger containing 1; plus strand). Cytogenetic location: 3p25.3.
Variant type: single nucleotide variant.
Coding change: c.1600A>G on transcript NM_001003694.2 (MANE Select); coding-DNA position 1600, A replaced by G.
Protein change: p.Ser534Gly; replaces serine 534 with glycine.
Molecular consequence: missense variant. On other transcripts: non-coding transcript variant (1).
Genome position (GRCh38, 1-based): chr3:9,740,819, A>G. VCF-style: chr3-9740819-A-G. GRCh37 (hg19) VCF-style: chr3-9782503-A-G.
Other names: c.1600A>G, p.Ser534Gly (NM_001319050.2, NM_001410704.1, NM_004634.3 and 1 more transcripts); short protein forms S534G.
Identifiers: ClinVar variation 3901975 (VCV003901975.1).

ClinVar aggregate classification (germline): Uncertain significance (1 of 4 stars; one submission).

Conditions:
Intellectual developmental disorder with dysmorphic facies and ptosis (IDDDFP). Identifiers: Orphanet 698090, MedGen C4310617, MONDO:0015022, OMIM 617333.

Submission:

Laboratorio de Genetica e Diagnostico Molecular, Hospital Israelita Albert Einstein
Classification: Uncertain significance for Intellectual developmental disorder with dysmorphic facies and ptosis. Last evaluated: 2022-04-11. Review status: criteria provided, single submitter. Criteria: ACMG Guidelines, 2015. Collection method: clinical testing. Allele origin: germline. Affected: yes.
Comment: ACMG classification criteria: PM2 moderate, PP2 supporting, BP4 supporting